The following is an entry in ClinVar:

ClinVar aggregate classification (germline): Uncertain significance (1 of 4 stars; one submission).

Allele frequency attached by ClinVar (database versions not stated): gnomAD exomes below 0.00001.
gnomAD v4.1: 4 of 1,614,186 alleles (0.00025%); highest among the groups gnomAD compares: Non-Finnish European, 0.00034%; no homozygotes.

Submission:

Labcorp Genetics (formerly Invitae), Labcorp
Classification: Uncertain significance. Last evaluated: 2022-10-21. Review status: criteria provided, single submitter. Criteria: Invitae Variant Classification Sherloc (09022015). Collection method: clinical testing. Allele origin: germline.
Comment: This variant is not present in population databases (gnomAD no frequency). This variant has not been reported in the literature in individuals affected with FAT4-related conditions. Advanced modeling of protein sequence and biophysical properties (such as structural, functional, and spatial information, amino acid conservation, physicochemical variation, residue mobility, and thermodynamic stability) performed at Invitae indicates that this missense variant is not expected to disrupt FAT4 protein function. In summary, the available evidence is currently insufficient to determine the role of this variant in disease. Therefore, it has been classified as a Variant of Uncertain Significance. This sequence change replaces asparagine, which is neutral and polar, with aspartic acid, which is acidic and polar, at codon 4828 of the FAT4 protein (p.Asn4828Asp).

NM_001291303.3(FAT4):c.14488A>G (p.Asn4830Asp)

Gene: FAT4 (FAT atypical cadherin 4; plus strand). Cytogenetic location: 4q28.1.
Variant type: single nucleotide variant.
Coding change: c.14488A>G on transcript NM_001291303.3 (MANE Select); coding-DNA position 14488, A replaced by G.
Protein change: p.Asn4830Asp; replaces asparagine 4830 with aspartic acid.
Molecular consequence: missense variant.
Genome position (GRCh38, 1-based): chr4:125,491,304, A>G. VCF-style: chr4-125491304-A-G. GRCh37 (hg19) VCF-style: chr4-126412459-A-G.
Other names: c.14485A>G, p.Asn4829Asp (NM_001291285.3); c.14482A>G, p.Asn4828Asp (NM_024582.6); short protein forms N4828D, N4829D, N4830D.
Identifiers: ClinVar variation 1722016 (VCV001722016.5), dbSNP rs2530090471, ClinGen allele CA358142552.